The following is an entry in ClinVar:

NM_012431.3(SEMA3E):c.116-10T>A

Gene: SEMA3E (semaphorin 3E; minus strand). Cytogenetic location: 7q21.11.
Variant type: single nucleotide variant.
Coding change: c.116-10T>A on transcript NM_012431.3 (MANE Select); 10 bases into the intron before coding-DNA position 116, T replaced by A.
Molecular consequence: intron variant.
Genome position (GRCh38, 1-based): chr7:83,490,284, A>T on the plus strand (T>A on the coding strand, the complement: SEMA3E is on the minus strand). VCF-style: chr7-83490284-A-T. GRCh37 (hg19) VCF-style: chr7-83119600-A-T.
Other names: c.-65-10T>A (NM_001178129.2).
Identifiers: ClinVar variation 582083 (VCV000582083.10), dbSNP rs1562804630, ClinGen allele CA891843429.

ClinVar aggregate classification (germline): Uncertain significance (1 of 4 stars; one submission).

Conditions:
CHARGE syndrome (CHARGE). Also called: Hittner Hirsch Kreh syndrome; Coloboma, heart anomaly, choanal atresia, retardation, genital and ear anomalies; CHARGE association; Hall-Hittner syndrome; CHARGE ASSOCIATION--COLOBOMA, HEART ANOMALY, CHOANAL ATRESIA, RETARDATION, GENITAL AND EAR ANOMALIES. Identifiers: Orphanet 138, MedGen C0265354, MONDO:0008965.

Submission:

Labcorp Genetics (formerly Invitae), Labcorp
Classification: Uncertain significance for CHARGE syndrome. Last evaluated: 2022-03-19. Review status: criteria provided, single submitter. Criteria: Invitae Variant Classification Sherloc (09022015). Collection method: clinical testing. Allele origin: germline.
Comment: In summary, the available evidence is currently insufficient to determine the role of this variant in disease. Therefore, it has been classified as a Variant of Uncertain Significance. Algorithms developed to predict the effect of sequence changes on RNA splicing suggest that this variant may disrupt the consensus splice site. ClinVar contains an entry for this variant (Variation ID: 582083). This variant has not been reported in the literature in individuals affected with SEMA3E-related conditions. This variant is not present in population databases (gnomAD no frequency). This sequence change falls in intron 1 of the SEMA3E gene. It does not directly change the encoded amino acid sequence of the SEMA3E protein.